The following is an entry in ClinVar:

NM_000535.7(PMS2):c.2152C>A (p.Leu718Ile)

Gene: PMS2 (PMS1 homolog 2, mismatch repair system component; minus strand). Cytogenetic location: 7p22.1.
Variant type: single nucleotide variant.
Coding change: c.2152C>A on transcript NM_000535.7 (MANE Select); coding-DNA position 2152, C replaced by A.
Protein change: p.Leu718Ile; replaces leucine 718 with isoleucine.
Molecular consequence: missense variant. On other transcripts: non-coding transcript variant (1), intron variant (4).
Genome position (GRCh38, 1-based): chr7:5,982,846, G>T on the plus strand (C>A on the coding strand, the complement: PMS2 is on the minus strand). VCF-style: chr7-5982846-G-T. GRCh37 (hg19) VCF-style: chr7-6022477-G-T.
Other names: c.1747C>A, p.Leu583Ile (NM_001322003.2, NM_001322004.2, NM_001322005.2 and 14 more transcripts); c.1996C>A, p.Leu666Ile (NM_001322006.2, NM_001406870.1); c.1834C>A, p.Leu612Ile (NM_001322007.2, NM_001322008.2, NM_001406876.1 and 1 more transcripts); c.1591C>A, p.Leu531Ile (NM_001322010.2, NM_001406906.1, NM_001406907.1); c.1219C>A, p.Leu407Ile (NM_001322011.2, NM_001322012.2); c.1579C>A, p.Leu527Ile (NM_001322013.2, NM_001406909.1); c.2152C>A, p.Leu718Ile (NM_001322014.2, NM_001406871.1); c.1843C>A, p.Leu615Ile (NM_001322015.2, NM_001406875.1, NM_001406877.1 and 5 more transcripts); and 16 more; short protein forms L317I, L407I, L531I, L612I, L682I, L527I, L547I, L563I.
Identifiers: ClinVar variation 3890960 (VCV003890960.1).

ClinVar aggregate classification (germline): Uncertain significance (1 of 4 stars; one submission).

Conditions:
Hereditary cancer-predisposing syndrome. Also called: Tumor predisposition; Neoplastic Syndromes, Hereditary; Hereditary Cancer Syndrome; Hereditary neoplastic syndrome. Identifiers: Orphanet 140162, MedGen C0027672, MeSH D009386, MONDO:0015356.

Submission:

Ambry Genetics
Classification: Uncertain significance for Hereditary cancer-predisposing syndrome. Last evaluated: 2025-01-06. Review status: criteria provided, single submitter. Criteria: Ambry Variant Classification Scheme 2023. Collection method: clinical testing. Allele origin: germline.
Comment: The p.L718I variant (also known as c.2152C>A), located in coding exon 12 of the PMS2 gene, results from a C to A substitution at nucleotide position 2152. The leucine at codon 718 is replaced by isoleucine, an amino acid with highly similar properties. This amino acid position is conserved. In addition, this alteration is predicted to be tolerated by in silico analysis. Based on the available evidence, the clinical significance of this variant remains unclear.